The following is an entry in ClinVar:

NM_203446.3(SYNJ1):c.*604A>C

Gene: SYNJ1 (synaptojanin 1; minus strand). Cytogenetic location: 21q22.11.
Variant type: single nucleotide variant.
Coding change: c.*604A>C on transcript NM_203446.3 (MANE Select); 604 bases downstream of the stop codon, A replaced by C.
Molecular consequence: 3 prime UTR variant. On other transcripts: missense variant (2).
Genome position (GRCh38, 1-based): chr21:32,631,201, T>G on the plus strand (A>C on the coding strand, the complement: SYNJ1 is on the minus strand). VCF-style: chr21-32631201-T-G. GRCh37 (hg19) VCF-style: chr21-34003511-T-G.
Other names: c.*604A>C (NM_001160302.2); c.4375A>C, p.Asn1459His (NM_001160306.2); c.4633A>C, p.Asn1545His (NM_003895.4); short protein forms N1459H, N1545H.
Identifiers: ClinVar variation 1943511 (VCV001943511.5), dbSNP rs371425452, ClinGen allele CA319449741.

ClinVar aggregate classification (germline): Uncertain significance (1 of 4 stars; one submission).

Conditions:
Developmental and epileptic encephalopathy, 53. Also called: Epileptic encephalopathy, early infantile, 53. Identifiers: MedGen C4479313, MONDO:0033362, OMIM 617389.
Early-onset Parkinson disease 20. Also called: PARKINSON DISEASE 20, AUTOSOMAL RECESSIVE EARLY-ONSET. Identifiers: Orphanet 391411, MedGen C3809824, MONDO:0014233, OMIM 615530.

Allele frequency attached by ClinVar (database versions not stated): ESP Exome Variant Server 0.00008.
gnomAD v4.1: 42 of 1,614,098 alleles (0.0026%); highest among the groups gnomAD compares: Non-Finnish European, 0.0036%; no homozygotes.

Submission:

Labcorp Genetics (formerly Invitae), Labcorp
Classification: Uncertain significance for Developmental and epileptic encephalopathy, 53; Early-onset Parkinson disease 20. Last evaluated: 2023-08-04. Review status: criteria provided, single submitter. Criteria: Invitae Variant Classification Sherloc (09022015). Collection method: clinical testing. Allele origin: germline.
Comment: In summary, the available evidence is currently insufficient to determine the role of this variant in disease. Therefore, it has been classified as a Variant of Uncertain Significance. Algorithms developed to predict the effect of missense changes on protein structure and function output the following: SIFT: "Not Available"; PolyPhen-2: "Benign"; Align-GVGD: "Not Available". The histidine amino acid residue is found in multiple mammalian species, which suggests that this missense change does not adversely affect protein function. ClinVar contains an entry for this variant (Variation ID: 1943511). This variant has not been reported in the literature in individuals affected with SYNJ1-related conditions. This variant is present in population databases (rs371425452, gnomAD 0.0009%). This sequence change replaces asparagine, which is neutral and polar, with histidine, which is basic and polar, at codon 1545 of the SYNJ1 protein (p.Asn1545His).